The following is an entry in ClinVar:

NM_022725.4(FANCF):c.96C>T (p.Arg32=)

Gene: FANCF (FA complementation group F; minus strand). Cytogenetic location: 11p14.3.
Variant type: single nucleotide variant.
Coding change: c.96C>T on transcript NM_022725.4 (MANE Select); coding-DNA position 96, C replaced by T.
Protein change: p.Arg32=; no amino-acid change (arginine 32 retained).
Molecular consequence: synonymous variant.
Genome position (GRCh38, 1-based): chr11:22,625,715, G>A on the plus strand (C>T on the coding strand, the complement: FANCF is on the minus strand). VCF-style: chr11-22625715-G-A. GRCh37 (hg19) VCF-style: chr11-22647261-G-A.
Identifiers: ClinVar variation 261631 (VCV000261631.25), dbSNP rs151253274, ClinGen allele CA5924434.

ClinVar aggregate classification (germline): Benign/Likely benign. Review status: criteria provided, multiple submitters, no conflicts (2 of 4 stars). 8 submissions from 8 submitters: Benign (5); Likely benign (2). 1 of the submissions does not count toward it. Last evaluated 2026-02-04.

Conditions:
Fanconi anemia (FA). Also called: Fanconi's anemia. Identifiers: Orphanet 84, MedGen C0015625, MeSH D005199, MONDO:0019391.
Fanconi anemia complementation group F. Also called: FANCF-Related Fanconi Anemia. Identifiers: Orphanet 84, MedGen C3469526, MONDO:0011325, OMIM 603467.
FANCF-related disorder. Also called: FANCF-related condition.

Allele frequency attached by ClinVar (database versions not stated): ESP Exome Variant Server 0.00092; gnomAD exomes 0.00494 and 0.01982; gnomAD 0.00838 and 0.00865; 1000 Genomes Project 30x 0.01249; TOPMed 0.01309; 1000 Genomes Project 0.01358; ExAC 0.01584.

Submissions (8):

Labcorp Genetics (formerly Invitae), Labcorp
Classification: Benign for Fanconi anemia. Last evaluated: 2026-02-04. Review status: criteria provided, single submitter. Criteria: Invitae Variant Classification Sherloc (09022015). Collection method: clinical testing. Allele origin: germline.

ARUP Laboratories, Molecular Genetics and Genomics, ARUP Laboratories
Classification: Benign for Fanconi anemia complementation group F. Last evaluated: 2025-07-03. Review status: criteria provided, single submitter. Criteria: ARUP Molecular Germline Variant Investigation Process 2024. Collection method: clinical testing. Allele origin: germline.

Blueprint Genetics
Classification: Likely benign. Last evaluated: 2024-11-27. Review status: criteria provided, single submitter. Criteria: ACMG Guidelines, 2015. Collection method: clinical testing. Allele origin: germline.

KCCC/NGS Laboratory, Kuwait Cancer Control Center
Classification: Benign for Fanconi anemia complementation group F. Last evaluated: 2023-07-07. Review status: criteria provided, single submitter. Criteria: ACMG Guidelines, 2015. Collection method: clinical testing. Allele origin: germline. Affected: yes.

GeneDx
Classification: Benign. Last evaluated: 2019-06-21. Review status: criteria provided, single submitter. Criteria: GeneDx Variant Classification Process June 2021. Collection method: clinical testing. Allele origin: germline. Affected: yes.

Illumina Laboratory Services, Illumina
Classification: Benign for Fanconi anemia complementation group F. Last evaluated: 2018-01-13. Review status: criteria provided, single submitter. Criteria: ICSL Variant Classification Criteria 13 December 2019. Collection method: clinical testing. Allele origin: germline.
Comment: This variant was observed in the ICSL laboratory as part of a predisposition screen in an ostensibly healthy population. It had not been previously curated by ICSL or reported in the Human Gene Mutation Database (HGMD: prior to June 1st, 2018), and was therefore a candidate for classification through an automated scoring system. Utilizing variant allele frequency, disease prevalence and penetrance estimates, and inheritance mode, an automated score was calculated to assess if this variant is too frequent to cause the disease. Based on the score and internal cut-off values, a variant classified as benign is not then subjected to further curation. The score for this variant resulted in a classification of benign for this disease.

Breakthrough Genomics
Classification: Likely benign. Review status: criteria provided, single submitter. Criteria: ACMG Guidelines, 2015. Collection method: not provided. Allele origin: germline. Inheritance: Autosomal recessive inheritance. Affected: yes.

PreventionGenetics, part of Exact Sciences
Classification: Benign for FANCF-related condition. Last evaluated: 2019-04-17. Review status: no assertion criteria provided. Collection method: clinical testing. Allele origin: germline. Not counted in ClinVar's aggregate classification.
Comment: This variant is classified as benign based on ACMG/AMP sequence variant interpretation guidelines (Richards et al. 2015 PMID: 25741868, with internal and published modifications).